The following is an entry in ClinVar:

NM_003235.5(TG):c.2502G>A (p.Pro834=)

Gene: TG (thyroglobulin; plus strand). Cytogenetic location: 8q24.22.
Variant type: single nucleotide variant.
Coding change: c.2502G>A on transcript NM_003235.5 (MANE Select); coding-DNA position 2502, G replaced by A.
Protein change: p.Pro834=; no amino-acid change (proline 834 retained).
Molecular consequence: synonymous variant.
Genome position (GRCh38, 1-based): chr8:132,888,309, G>A. VCF-style: chr8-132888309-G-A. GRCh37 (hg19) VCF-style: chr8-133900554-G-A.
Identifiers: ClinVar variation 736182 (VCV000736182.9), dbSNP rs138731686, ClinGen allele CA4883418.

ClinVar aggregate classification (germline): Likely benign. Review status: criteria provided, single submitter (1 of 4 stars). 2 submissions from 2 submitters: Likely benign (1). 1 of the submissions does not count toward it. Last evaluated 2024-03-07.

Conditions:
TG-related disorder. Also called: TG-related condition; TG-related disorders.

Allele frequency attached by ClinVar (database versions not stated): 1000 Genomes Project 30x 0.00016; 1000 Genomes Project 0.00020; TOPMed 0.00020; ESP Exome Variant Server 0.00023; gnomAD exomes 0.00023; ExAC 0.00024; gnomAD 0.00028 and 0.00029.
gnomAD v4.1: 348 of 1,614,124 alleles (0.022%); highest among the groups gnomAD compares: Middle Eastern, 0.049%; no homozygotes.

Submissions (2):

Labcorp Genetics (formerly Invitae), Labcorp
Classification: Likely benign. Last evaluated: 2024-03-07. Review status: criteria provided, single submitter. Criteria: Invitae Variant Classification Sherloc (09022015). Collection method: clinical testing. Allele origin: germline.

PreventionGenetics, part of Exact Sciences
Classification: Likely benign for TG-related condition. Last evaluated: 2019-06-19. Review status: no assertion criteria provided. Collection method: clinical testing. Allele origin: germline. Not counted in ClinVar's aggregate classification.
Comment: This variant is classified as likely benign based on ACMG/AMP sequence variant interpretation guidelines (Richards et al. 2015 PMID: 25741868, with internal and published modifications).